The following is an entry in ClinVar:

NM_001365276.2(TNXB):c.8933G>C (p.Arg2978Pro)

Gene: TNXB (tenascin XB; minus strand). Cytogenetic location: 6p21.33.
Variant type: single nucleotide variant.
Coding change: c.8933G>C on transcript NM_001365276.2 (MANE Select); coding-DNA position 8933, G replaced by C.
Protein change: p.Arg2978Pro; replaces arginine 2978 with proline.
Molecular consequence: missense variant.
Genome position (GRCh38, 1-based): chr6:32,052,852, C>G on the plus strand (G>C on the coding strand, the complement: TNXB is on the minus strand). VCF-style: chr6-32052852-C-G. GRCh37 (hg19) VCF-style: chr6-32020629-C-G.
Other names: c.9674G>C, p.Arg3225Pro (NM_001428335.1); c.8927G>C, p.Arg2976Pro (NM_019105.8); short protein forms R2976P, R2978P, R3225P.
Identifiers: ClinVar variation 4188682 (VCV004188682.2).

ClinVar aggregate classification (germline): Conflicting classifications of pathogenicity. Review status: criteria provided, conflicting classifications (1 of 4 stars). 2 submissions from 2 submitters: Uncertain significance (1); Likely benign (1). Last evaluated 2026-06-09.

Conditions:
Cardiovascular phenotype. Identifiers: MedGen CN230736.

gnomAD v4.1: 4 of 1,613,250 alleles (0.00025%); highest among the groups gnomAD compares: Non-Finnish European, 0.00034%; no homozygotes.

Submissions (2):

Women's Health and Genetics/Laboratory Corporation of America, LabCorp
Classification: Uncertain significance. Last evaluated: 2026-06-09. Review status: criteria provided, single submitter. Criteria: LabCorp Variant Classification Summary - May 2015. Collection method: clinical testing. Allele origin: germline.
Comment: Variant summary: TNXB c.8927G>C (p.Arg2976Pro) results in a non-conservative amino acid change in the encoded protein sequence. Algorithms developed to predict the effect of missense changes on protein structure and function are either unavailable or do not agree on the potential impact of this missense change. The variant allele was found at a frequency of 4.1e-06 in 244974 control chromosomes. The available data on variant occurrences in the general population are insufficient to allow any conclusion about variant significance. To our knowledge, no occurrence of c.8927G>C in individuals affected with TNXB-related conditions and no experimental evidence demonstrating its impact on protein function have been reported. ClinVar contains an entry for this variant (Variation ID: 4188682). Based on the evidence outlined above, the variant was classified as uncertain significance.

Ambry Genetics
Classification: Likely benign for Cardiovascular phenotype. Last evaluated: 2025-07-10. Review status: criteria provided, single submitter. Criteria: Ambry Variant Classification Scheme 2023. Collection method: clinical testing. Allele origin: germline.